The following is an entry in ClinVar:

NM_032608.7(MYO18B):c.5202G>A (p.Lys1734=)

Gene: MYO18B (myosin XVIIIB; plus strand). Cytogenetic location: 22q12.1.
Variant type: single nucleotide variant.
Coding change: c.5202G>A on transcript NM_032608.7 (MANE Select); coding-DNA position 5202, G replaced by A.
Protein change: p.Lys1734=; no amino-acid change (lysine 1734 retained).
Molecular consequence: synonymous variant.
Genome position (GRCh38, 1-based): chr22:25,908,375, G>A. VCF-style: chr22-25908375-G-A. GRCh37 (hg19) VCF-style: chr22-26304342-G-A.
Other names: c.5205G>A, p.Lys1735= (NM_001318245.2); c.5202G>A (NM_032608.6).
Identifiers: ClinVar variation 1664337 (VCV001664337.9), dbSNP rs549056065, ClinGen allele CA10161098.

ClinVar aggregate classification (germline): Likely benign. Review status: criteria provided, multiple submitters, no conflicts (2 of 4 stars). 2 submissions from 2 submitters: Likely benign (2). Last evaluated 2025-10-23.

Conditions:
MYO18B-related disorder. Also called: MYO18B-related condition.

Allele frequency attached by ClinVar (database versions not stated): ExAC 0.00002; gnomAD exomes 0.00002 and 0.00003; gnomAD 0.00003; TOPMed 0.00004; 1000 Genomes Project 30x 0.00016; 1000 Genomes Project 0.00020.
gnomAD v4.1: 53 of 1,603,250 alleles (0.0033%); highest among the groups gnomAD compares: Middle Eastern, 0.033%; no homozygotes.

Submissions (2):

Labcorp Genetics (formerly Invitae), Labcorp
Classification: Likely benign. Last evaluated: 2025-10-23. Review status: criteria provided, single submitter. Criteria: Invitae Variant Classification Sherloc (09022015). Collection method: clinical testing. Allele origin: germline.

PreventionGenetics, part of Exact Sciences
Classification: Likely benign for MYO18B-related condition. Last evaluated: 2025-04-28. Review status: criteria provided, single submitter. Criteria: ACMG Guidelines, 2015. Collection method: clinical testing. Allele origin: germline.
Comment: This variant is classified as likely benign based on ACMG/AMP sequence variant interpretation guidelines (Richards et al. 2015 PMID: 25741868, with internal and published modifications).